The following is an entry in ClinVar:

ClinVar aggregate classification (germline): Uncertain significance. Review status: criteria provided, single submitter (1 of 4 stars). 2 submissions from 2 submitters: Uncertain significance (1). 1 of the submissions does not count toward it. Last evaluated 2024-02-24.

Conditions:
Enhanced S-cone syndrome (ESCS). Identifiers: Orphanet 53540, MedGen C1849394, MONDO:0100288, MONDO:0009989.

Allele frequency attached by ClinVar (database versions not stated): gnomAD exomes below 0.00001; ExAC 0.00001; gnomAD 0.00002; TOPMed 0.00003.
gnomAD v4.1: 6 of 1,612,714 alleles (0.00037%); highest among the groups gnomAD compares: African/African-American, 0.0053%; no homozygotes.

Submissions (2):

Labcorp Genetics (formerly Invitae), Labcorp
Classification: Uncertain significance. Last evaluated: 2024-02-24. Review status: criteria provided, single submitter. Criteria: Invitae Variant Classification Sherloc (09022015). Collection method: clinical testing. Allele origin: germline.
Comment: This sequence change replaces methionine, which is neutral and non-polar, with threonine, which is neutral and polar, at codon 352 of the NR2E3 protein (p.Met352Thr). The frequency data for this variant in the population databases is considered unreliable, as metrics indicate poor data quality at this position in the gnomAD database. This missense change has been observed in individual(s) with nyctalopia, peripheral/central/color vision loss, photophobia, optic nerve atrophy, and abnormal fundus, (Invitae). ClinVar contains an entry for this variant (Variation ID: 1047404). Advanced modeling of protein sequence and biophysical properties (such as structural, functional, and spatial information, amino acid conservation, physicochemical variation, residue mobility, and thermodynamic stability) performed at Invitae indicates that this missense variant is not expected to disrupt NR2E3 protein function with a negative predictive value of 80%. In summary, the available evidence is currently insufficient to determine the role of this variant in disease. Therefore, it has been classified as a Variant of Uncertain Significance.

Natera, Inc.
Classification: Uncertain significance for Enhanced S cone syndrome. Last evaluated: 2021-04-09. Review status: no assertion criteria provided. Collection method: clinical testing. Allele origin: germline. Not counted in ClinVar's aggregate classification.

NM_014249.4(NR2E3):c.1055T>C (p.Met352Thr)

Gene: NR2E3 (nuclear receptor subfamily 2 group E member 3; plus strand). Cytogenetic location: 15q23.
Variant type: single nucleotide variant.
Coding change: c.1055T>C on transcript NM_014249.4 (MANE Select); coding-DNA position 1055, T replaced by C.
Protein change: p.Met352Thr; replaces methionine 352 with threonine.
Molecular consequence: missense variant.
Genome position (GRCh38, 1-based): chr15:71,814,072, T>C. VCF-style: chr15-71814072-T-C. GRCh37 (hg19) VCF-style: chr15-72106413-T-C.
Other names: c.1055T>C, p.Met352Thr (NM_016346.4); short protein forms M352T.
Identifiers: ClinVar variation 1047404 (VCV001047404.9), dbSNP rs747738378, ClinGen allele CA7640486.